The following is an entry in ClinVar:

NM_001369369.1(FOXN1):c.789T>A (p.Asp263Glu)

Gene: FOXN1 (forkhead box N1; plus strand). Cytogenetic location: 17q11.2.
Variant type: single nucleotide variant.
Coding change: c.789T>A on transcript NM_001369369.1 (MANE Select); coding-DNA position 789, T replaced by A.
Protein change: p.Asp263Glu; replaces aspartic acid 263 with glutamic acid.
Molecular consequence: missense variant.
Genome position (GRCh38, 1-based): chr17:28,529,183, T>A. VCF-style: chr17-28529183-T-A. GRCh37 (hg19) VCF-style: chr17-26856201-T-A.
Other names: c.789T>A, p.Asp263Glu (NM_003593.3); short protein forms D263E.
Identifiers: ClinVar variation 1973724 (VCV001973724.5), dbSNP rs773246383, ClinGen allele CA398323231.

ClinVar aggregate classification (germline): Uncertain significance (1 of 4 stars; one submission).

Conditions:
T-cell immunodeficiency, congenital alopecia, and nail dystrophy. Also called: Congenital alopecia and nail dystrophy associated with severe functional T-cell immunodeficiency; Pignata Guarino syndrome. Identifiers: Orphanet 169095, MedGen C1866426, MONDO:0011132, OMIM 601705.

Submission:

Labcorp Genetics (formerly Invitae), Labcorp
Classification: Uncertain significance for T-cell immunodeficiency, congenital alopecia, and nail dystrophy. Last evaluated: 2025-05-19. Review status: criteria provided, single submitter. Criteria: Invitae Variant Classification Sherloc (09022015). Collection method: clinical testing. Allele origin: germline.
Comment: This sequence change replaces aspartic acid, which is acidic and polar, with glutamic acid, which is acidic and polar, at codon 263 of the FOXN1 protein (p.Asp263Glu). This variant is not present in population databases (gnomAD no frequency). This variant has not been reported in the literature in individuals affected with FOXN1-related conditions. ClinVar contains an entry for this variant (Variation ID: 1973724). Invitae Evidence Modeling of protein sequence and biophysical properties (such as structural, functional, and spatial information, amino acid conservation, physicochemical variation, residue mobility, and thermodynamic stability) indicates that this missense variant is not expected to disrupt FOXN1 protein function with a negative predictive value of 80%. In summary, the available evidence is currently insufficient to determine the role of this variant in disease. Therefore, it has been classified as a Variant of Uncertain Significance.